The following is an entry in ClinVar:

NM_001161352.2(KCNMA1):c.378+857G>A

Gene: KCNMA1 (potassium calcium-activated channel subfamily M alpha 1; minus strand). Cytogenetic location: 10q22.3.
Variant type: single nucleotide variant.
Coding change: c.378+857G>A on transcript NM_001161352.2 (MANE Select); 857 bases into the intron after coding-DNA position 378, G replaced by A.
Molecular consequence: intron variant. On other transcripts: 3 prime UTR variant (2), synonymous variant (1), nonsense (1).
Genome position (GRCh38, 1-based): chr10:77,636,408, C>T on the plus strand (G>A on the coding strand, the complement: KCNMA1 is on the minus strand). VCF-style: chr10-77636408-C-T. GRCh37 (hg19) VCF-style: chr10-79396166-C-T.
Other names: c.*335G>A (NM_001271520.2); c.*153G>A (NM_001271521.2); c.486G>A, p.Val162= (NM_001271522.2); c.653G>A, p.Trp218Ter (NM_001322839.2); c.378+857G>A (NM_001271518.2, NM_001322832.2, NM_001410940.1 and 9 more transcripts); short protein forms W218*.
Identifiers: ClinVar variation 3352302 (VCV003352302.1).

ClinVar aggregate classification (germline): Uncertain significance (0 of 4 stars; one submission).

Conditions:
KCNMA1-related disorder. Also called: KCNMA1-related disorders; KCNMA1-related condition.

gnomAD v4.1: 19 of 1,536,014 alleles (0.0012%); highest among the groups gnomAD compares: East Asian, 0.0049%; no homozygotes.

Submission:

PreventionGenetics, part of Exact Sciences
Classification: Uncertain significance for KCNMA1-related condition. Last evaluated: 2024-05-24. Review status: no assertion criteria provided. Collection method: clinical testing. Allele origin: germline.
Comment: The KCNMA1 c.653G>A variant is predicted to result in premature protein termination (p.Trp218*). However, in the predominantly-expressed transcript, this variant is deep-intronic (NM_002247.3:c.378+857G>A), so it may not disrupt expression of the clinically-relevant gene product. To our knowledge, this variant has not been reported in the literature. This variant is reported in 0.0019% of alleles in individuals of European (Non-Finnish) descent in gnomAD. At this time, the clinical significance of this variant is uncertain due to the absence of conclusive functional and genetic evidence.